The following is an entry in ClinVar:

ClinVar aggregate classification (germline): Conflicting classifications of pathogenicity. Review status: criteria provided, conflicting classifications (1 of 4 stars). 3 submissions from 3 submitters: Uncertain significance (1); Likely benign (1). 1 of the submissions does not count toward it. Last evaluated 2025-11-12.

Submissions (3):

Labcorp Genetics (formerly Invitae), Labcorp
Classification: Uncertain significance. Last evaluated: 2025-11-12. Review status: criteria provided, single submitter. Criteria: Invitae Variant Classification Sherloc (09022015). Collection method: clinical testing. Allele origin: germline.
Comment: This variant, c.240_254del, results in the deletion of 5 amino acid(s) of the PDE4D protein (p.Leu81_Pro85del), but otherwise preserves the integrity of the reading frame. The frequency data for this variant in the population databases is considered unreliable, as metrics indicate poor data quality at this position in the gnomAD database. This variant has not been reported in the literature in individuals affected with PDE4D-related conditions. ClinVar contains an entry for this variant (Variation ID: 1050733). Experimental studies and prediction algorithms are not available or were not evaluated, and the functional significance of this variant is currently unknown. In summary, the available evidence is currently insufficient to determine the role of this variant in disease. Therefore, it has been classified as a Variant of Uncertain Significance.

CeGaT Center for Human Genetics Tuebingen
Classification: Likely benign. Last evaluated: 2023-12-01. Review status: criteria provided, single submitter. Criteria: CeGaT Center For Human Genetics Tuebingen Variant Classification Criteria Version 2. Collection method: clinical testing. Allele origin: germline. Affected: yes. Observed: 1 variant allele.
Comment: PDE4D: BS1

Department of Pathology and Laboratory Medicine, Sinai Health System
Classification: Uncertain significance. Review status: no assertion criteria provided. Collection method: clinical testing. Allele origin: unknown. Affected: yes. Study: The Canadian Open Genetics Repository (COGR). Not counted in ClinVar's aggregate classification.
Comment: The PDE4D p.Leu81_Pro85del variant was not identified in the literature nor was it identified in ClinVar, Cosmic, or LOVD 3.0 databases. The variant was identified in dbSNP (ID: rs755378627) and was also found in control databases in 13 of 35854 chromosomes at a frequency of 0.000363 (Genome Aggregation Database Feb 27, 2017). The variant was observed in the following populations: South Asian in 9 of 876 chromosomes (freq: 0.01027), Latino in 1 of 900 chromosomes (freq: 0.001111), European (non-Finnish) in 3 of 15690 chromosomes (freq: 0.000191), while the variant was not observed in the African, Ashkenazi Jewish, East Asian, European (Finnish), and Other populations. This variant is an in-frame deletion resulting in the removal of a leucine (Leu) and four proline (Pro) residues at codon 81-85; the impact of this alteration on PDE4D protein function is not known. The residues at codon 81-85 are not conserved in mammals and computational analyses (PolyPhen-2, SIFT, AlignGVGD, BLOSUM, MutationTaster) do not suggest a high likelihood of impact to the protein; however, this information is not predictive enough to rule out pathogenicity. The variant occurs outside of the splicing consensus sequence and in silico or computational prediction software programs (SpliceSiteFinder, MaxEntScan, NNSPLICE, GeneSplicer) do not predict a difference in splicing. In summary, based on the above information the clinical significance of this variant cannot be determined with certainty at this time. This variant is classified as a variant of uncertain significance.

NM_001104631.2(PDE4D):c.240_254del (p.Leu81_Pro85del)

Gene: PDE4D (phosphodiesterase 4D; minus strand). Cytogenetic location: 5q12.1.
Variant type: Deletion.
Coding change: c.240_254del on transcript NM_001104631.2 (MANE Select); coding-DNA positions 240 to 254, 15 bases deleted (CCTGCCGCCGCCCCC).
Protein change: p.Leu81_Pro85del.
Molecular consequence: inframe deletion. On other transcripts: intron variant (5).
Genome position (GRCh38, 1-based): chr5:59,893,369-59,893,383, GGGGGCGGCGGCAGG deleted on the plus strand (CCTGCCGCCGCCCCC on the coding strand, the reverse complement: PDE4D is on the minus strand); deleting any 15 consecutive bases within chr5:59,893,369-59,893,395 gives the same sequence; the c. name uses the placement nearest the transcript's 3' end. VCF-style (leftmost placement, unchanged base first): chr5-59893368-CGGGGGCGGCGGCAGG-C. GRCh37 (hg19) VCF-style: chr5-59189195-CGGGGGCGGCGGCAGG-C.
Other names: c.272+95105_272+95119del (NM_001364599.1, NM_001165899.2, NM_001364600.2); c.-240+95105_-240+95119del (NM_001349243.2); c.242+95105_242+95119del (NM_001349241.2).
Identifiers: ClinVar variation 1050733 (VCV001050733.28), dbSNP rs755378627, ClinGen allele CA3276674.
Genomic context (GRCh38, chr5:59,893,368, plus strand): 5'-CCGGACGCGGCCGGTGGCCCCGCTCGAGGCGTAGCGGCCGCGGGCAGCCCCGGGCGGCGG[CGGGGGCGGCGGCAGG>C]GGGGGCGGCGGCGGCGGCTGTAGCGGACACTGGGGCTGGGGCTGGGGCGAGGGTGGCGGC-3'